The following is an entry in ClinVar:

ClinVar aggregate classification (germline): Uncertain significance. Review status: criteria provided, multiple submitters, no conflicts (2 of 4 stars). 5 submissions from 5 submitters: Uncertain significance (5). Last evaluated 2023-04-06.

Conditions:
Hereditary breast ovarian cancer syndrome. Also called: Breast and ovarian cancer; Hereditary breast and/or ovarian cancer syndrome; Hereditary breast and ovarian cancer; Hereditary breast and ovarian cancer syndrome (HBOC); BRCA1- and BRCA2-Associated Hereditary Breast and Ovarian Cancer; Hereditary breast and ovarian cancer syndrome. Identifiers: Orphanet 145, MedGen C0677776, MeSH D061325, MONDO:0003582. Disease mechanism: loss of function.
Hereditary cancer-predisposing syndrome. Also called: Hereditary Cancer Syndrome; Neoplastic Syndromes, Hereditary; Tumor predisposition; Hereditary neoplastic syndrome. Identifiers: Orphanet 140162, MedGen C0027672, MeSH D009386, MONDO:0015356.

Submissions (5):

Labcorp Genetics (formerly Invitae), Labcorp
Classification: Uncertain significance for Hereditary breast ovarian cancer syndrome. Last evaluated: 2023-04-06. Review status: criteria provided, single submitter. Criteria: Invitae Variant Classification Sherloc (09022015). Collection method: clinical testing. Allele origin: germline.
Comment: In summary, the available evidence is currently insufficient to determine the role of this variant in disease. Therefore, it has been classified as a Variant of Uncertain Significance. Algorithms developed to predict the effect of sequence changes on RNA splicing suggest that this variant may create or strengthen a splice site. An algorithm developed to predict the effect of missense changes on protein structure and function (PolyPhen-2) suggests that this variant is likely to be disruptive. ClinVar contains an entry for this variant (Variation ID: 489794). This variant has not been reported in the literature in individuals affected with BRCA2-related conditions. This variant is not present in population databases (gnomAD no frequency). This sequence change replaces valine, which is neutral and non-polar, with phenylalanine, which is neutral and non-polar, at codon 3040 of the BRCA2 protein (p.Val3040Phe).

GeneDx
Classification: Uncertain significance. Last evaluated: 2023-02-28. Review status: criteria provided, single submitter. Criteria: GeneDx Variant Classification Process June 2021. Collection method: clinical testing. Allele origin: germline. Affected: yes.
Comment: Not observed at significant frequency in large population cohorts (gnomAD); In silico analysis supports that this missense variant does not alter protein structure/function; Has not been previously published as pathogenic or benign to our knowledge; In silico analysis suggests this variant may impact gene splicing. In the absence of RNA/functional studies, the actual effect of this sequence change is unknown.; This variant is associated with the following publications: (PMID: 29884841, 32377563, 12228710)

Sema4
Classification: Uncertain significance for Hereditary cancer-predisposing syndrome. Last evaluated: 2022-02-05. Review status: criteria provided, single submitter. Criteria: Sema4 Curation Guidelines. Collection method: curation. Allele origin: germline.
Comment: The BRCA2 c.9118G>T (p.V3040F) variant has not been reported in the literature to our knowledge. This variant was not observed in the large and broad cohorts of the Genome Aggregation Database (PMID: 32461654). This variant has been reported in ClinVar (Variation ID: 489794). Functional studies have not been performed, and in silico predictions of the variant's effect on protein function are inconclusive. The evidence is insufficient to meet ACMG/AMP criteria for classifying the variant as benign or pathogenic. Thus, the clinical significance of this variant is currently uncertain.

Color Diagnostics, LLC DBA Color Health
Classification: Uncertain significance for Hereditary cancer-predisposing syndrome. Last evaluated: 2019-06-22. Review status: criteria provided, single submitter. Criteria: ACMG Guidelines, 2015. Collection method: clinical testing. Allele origin: germline.

Ambry Genetics
Classification: Uncertain significance for Hereditary cancer-predisposing syndrome. Last evaluated: 2018-05-09. Review status: criteria provided, single submitter. Criteria: Ambry Variant Classification Scheme 2023. Collection method: clinical testing. Allele origin: germline.
Comment: The p.V3040F variant (also known as c.9118G>T) is located in coding exon 23 of the BRCA2 gene. The valine at codon 3040 is replaced by phenylalanine, an amino acid with highly similar properties. This change occurs in the first base pair of coding exon 23. This amino acid position is poorly conserved in available vertebrate species. In addition, the in silico prediction for this alteration is inconclusive. Since supporting evidence is limited at this time, the clinical significance of this alteration remains unclear.

NM_000059.4(BRCA2):c.9118G>T (p.Val3040Phe)

Gene: BRCA2 (BRCA2 DNA repair associated; plus strand). Cytogenetic location: 13q13.1.
Variant type: single nucleotide variant.
Coding change: c.9118G>T on transcript NM_000059.4 (MANE Select); coding-DNA position 9118, G replaced by T.
Protein change: p.Val3040Phe; replaces valine 3040 with phenylalanine.
Molecular consequence: missense variant.
Genome position (GRCh38, 1-based): chr13:32,380,007, G>T. VCF-style: chr13-32380007-G-T. GRCh37 (hg19) VCF-style: chr13-32954144-G-T.
Other names: short protein forms V3040F.
Identifiers: ClinVar variation 489794 (VCV000489794.13), dbSNP rs80359168, ClinGen allele CA387757760.
Genomic context (GRCh38, chr13:32,380,007, plus strand): 5'-ATAAGTGCTTGTTAGTTTATGGAATCTCCATATGTTGAATTTTTGTTTTGTTTTCTGTAG[G>T]TTTCAGATGAAATTTTATTTCAGATTTACCAGCCACGGGAGCCCCTTCACTTCAGCAAAT-3'
Protein context (NP_000050.3, residues 3030-3050): TKKTQYQQLP[Val3040Phe]SDEILFQIYQ